The following is an entry in ClinVar:

ClinVar aggregate classification (germline): Conflicting classifications of pathogenicity. Review status: criteria provided, conflicting classifications (1 of 4 stars). 3 submissions from 3 submitters: Uncertain significance (1); Likely benign (2). Last evaluated 2026-01-28.

Conditions:
Retinal dystrophy. Also called: Inherited retinal dystrophy. Identifiers: Orphanet 71862, MedGen C0854723, MeSH D058499, MONDO:0019118, HP:0000556.
Usher syndrome type 2A. Also called: RETINAL DISEASE IN USHER SYNDROME TYPE IIA, MODIFIER OF; USHER SYNDROME, TYPE IIA. Identifiers: Orphanet 231178, Orphanet 886, MedGen C1848634, MONDO:0010169, OMIM 276901.

Allele frequency attached by ClinVar (database versions not stated): TOPMed 0.00001; gnomAD 0.00002 and 0.00004; gnomAD exomes 0.00003 and 0.00009; ExAC 0.00010; 1000 Genomes Project 0.00040; 1000 Genomes Project 30x 0.00047.
gnomAD v4.1: 52 of 1,612,182 alleles (0.0032%); highest among the groups gnomAD compares: East Asian, 0.11%; no homozygotes.

Submissions (3):

Labcorp Genetics (formerly Invitae), Labcorp
Classification: Likely benign. Last evaluated: 2026-01-28. Review status: criteria provided, single submitter. Criteria: Invitae Variant Classification Sherloc (09022015). Collection method: clinical testing. Allele origin: germline.

Dept Of Ophthalmology, Nagoya University
Classification: Likely benign for Retinal dystrophy. Last evaluated: 2023-10-01. Review status: criteria provided, single submitter. Criteria: Submitter's publication. Collection method: research. Allele origin: germline. Affected: yes.

Baylor-Hopkins Center for Mendelian Genomics, Johns Hopkins University School of Medicine
Classification: Uncertain significance for Usher syndrome type 2A. Review status: criteria provided, single submitter. Criteria: ACMG Guidelines, 2015. Collection method: research. Allele origin: germline. Affected: yes. Observed: 2 variant alleles, 1 compound heterozygote.
Comment: Compound Heterozygote

NM_206933.4(USH2A):c.11464T>C (p.Ser3822Pro)

Gene: USH2A (usherin; minus strand). Cytogenetic location: 1q41.
Variant type: single nucleotide variant.
Coding change: c.11464T>C on transcript NM_206933.4 (MANE Select); coding-DNA position 11464, T replaced by C.
Protein change: p.Ser3822Pro; replaces serine 3822 with proline.
Molecular consequence: missense variant.
Genome position (GRCh38, 1-based): chr1:215,743,261, A>G on the plus strand (T>C on the coding strand, the complement: USH2A is on the minus strand). VCF-style: chr1-215743261-A-G. GRCh37 (hg19) VCF-style: chr1-215916603-A-G.
Other names: short protein forms S3822P.
Identifiers: ClinVar variation 869192 (VCV000869192.12), dbSNP rs201961789, ClinGen allele CA1393703.